The following is an entry in ClinVar:

ClinVar aggregate classification (germline): Uncertain significance (1 of 4 stars; one submission).

Conditions:
Inborn genetic diseases. Identifiers: MedGen C0950123, MeSH D030342.

gnomAD v4.1: 1 of 1,614,090 alleles (0.000062%); highest among the groups gnomAD compares: Non-Finnish European, 0.000085%; no homozygotes.

Submission:

Ambry Genetics
Classification: Uncertain significance for Inborn genetic diseases. Last evaluated: 2025-01-16. Review status: criteria provided, single submitter. Criteria: Ambry Variant Classification Scheme 2023. Collection method: clinical testing. Allele origin: germline.
Comment: The p.I209L variant (also known as c.625A>C), located in coding exon 5 of the ETV6 gene, results from an A to C substitution at nucleotide position 625. The isoleucine at codon 209 is replaced by leucine, an amino acid with highly similar properties. This amino acid position is conserved. In addition, this alteration is predicted to be tolerated by in silico analysis. Based on the available evidence, the clinical significance of this variant remains unclear.

NM_001987.5(ETV6):c.625A>C (p.Ile209Leu)

Gene: ETV6 (ETS variant transcription factor 6; plus strand). Cytogenetic location: 12p13.2.
Variant type: single nucleotide variant.
Coding change: c.625A>C on transcript NM_001987.5 (MANE Select); coding-DNA position 625, A replaced by C.
Protein change: p.Ile209Leu; replaces isoleucine 209 with leucine.
Molecular consequence: missense variant.
Genome position (GRCh38, 1-based): chr12:11,869,585, A>C. VCF-style: chr12-11869585-A-C. GRCh37 (hg19) VCF-style: chr12-12022519-A-C.
Other names: c.622A>C, p.Ile208Leu (NM_001413913.1); c.598A>C, p.Ile200Leu (NM_001413914.1); c.361A>C, p.Ile121Leu (NM_001413915.1); c.625A>C, p.Ile209Leu (NM_001413916.1, NM_001413917.1); short protein forms I121L, I200L, I208L, I209L.
Identifiers: ClinVar variation 3846507 (VCV003846507.1).